The following is an entry in ClinVar:

NM_006044.4(HDAC6):c.3529A>T (p.Ile1177Phe)

Gene: HDAC6 (histone deacetylase 6; plus strand). Cytogenetic location: Xp11.23.
Variant type: single nucleotide variant.
Coding change: c.3529A>T on transcript NM_006044.4 (MANE Select); coding-DNA position 3529, A replaced by T.
Protein change: p.Ile1177Phe; replaces isoleucine 1177 with phenylalanine.
Molecular consequence: missense variant. On other transcripts: non-coding transcript variant (1).
Genome position (GRCh38, 1-based): chrX:48,824,244, A>T. VCF-style: chrX-48824244-A-T. GRCh37 (hg19) VCF-style: chrX-48682654-A-T.
Other names: c.3571A>T, p.Ile1191Phe (NM_001321225.2); c.3529A>T, p.Ile1177Phe (NM_001321226.2, NM_001321227.2, NM_001321228.2 and 1 more transcripts); c.3529A>T (NM_006044.3); short protein forms I1191F, I1177F.
Identifiers: ClinVar variation 2237838 (VCV002237838.4), dbSNP rs144699758, ClinGen allele CA10405444.
Genomic context (GRCh38, chrX:48,824,244, plus strand): 5'-ATCAATGGCCACATGCTCCAACACCATGGAAATTCTGGACACCCGCTGGTCCTCAGCTAC[A>T]TCGACCTGTCAGCCTGGTGTTACTACTGTCAGGCCTATGTCCACCACCAGGTGGGCCCTG-3'
Protein context (NP_006035.2, residues 1167-1187): NSGHPLVLSY[Ile1177Phe]DLSAWCYYCQ

ClinVar aggregate classification (germline): Uncertain significance. Review status: criteria provided, single submitter (1 of 4 stars). 2 submissions from 2 submitters: Uncertain significance (1). 1 of the submissions does not count toward it. Last evaluated 2021-09-15.

Conditions:
HDAC6-related disorder. Also called: HDAC6-related condition.

Allele frequency attached by ClinVar (database versions not stated): 1000 Genomes Project 30x 0.00125; 1000 Genomes Project 0.00132; ESP Exome Variant Server 0.00170.

Submissions (2):

Ambry Genetics
Classification: Uncertain significance. Last evaluated: 2021-09-15. Review status: criteria provided, single submitter. Criteria: Ambry Variant Classification Scheme 2023. Collection method: clinical testing. Allele origin: germline.

PreventionGenetics, part of Exact Sciences
Classification: Likely benign for HDAC6-related condition. Last evaluated: 2021-03-19. Review status: no assertion criteria provided. Collection method: clinical testing. Allele origin: germline. Not counted in ClinVar's aggregate classification.
Comment: This variant is classified as likely benign based on ACMG/AMP sequence variant interpretation guidelines (Richards et al. 2015 PMID: 25741868, with internal and published modifications).